The following is an entry in ClinVar:

NM_000717.5(CA4):c.580+6T>A

Gene: CA4 (carbonic anhydrase 4; plus strand). Cytogenetic location: 17q23.1.
Variant type: single nucleotide variant.
Coding change: c.580+6T>A on transcript NM_000717.5 (MANE Select); 6 bases into the intron after coding-DNA position 580, T replaced by A.
Molecular consequence: intron variant.
Genome position (GRCh38, 1-based): chr17:60,158,133, T>A. VCF-style: chr17-60158133-T-A. GRCh37 (hg19) VCF-style: chr17-58235494-T-A.
Identifiers: ClinVar variation 4760027 (VCV004760027.1).

ClinVar aggregate classification (germline): Uncertain significance (1 of 4 stars; one submission).

Submission:

Labcorp Genetics (formerly Invitae), Labcorp
Classification: Uncertain significance. Last evaluated: 2025-04-10. Review status: criteria provided, single submitter. Criteria: Invitae Variant Classification Sherloc (09022015). Collection method: clinical testing. Allele origin: germline.
Comment: This sequence change falls in intron 6 of the CA4 gene. It does not directly change the encoded amino acid sequence of the CA4 protein. It affects a nucleotide within the consensus splice site. This variant is not present in population databases (gnomAD no frequency). This variant has not been reported in the literature in individuals affected with CA4-related conditions. Variants that disrupt the consensus splice site are a relatively common cause of aberrant splicing (PMID: 17576681, 9536098). Algorithms developed to predict the effect of sequence changes on RNA splicing suggest that this variant is not likely to affect RNA splicing. In summary, the available evidence is currently insufficient to determine the role of this variant in disease. Therefore, it has been classified as a Variant of Uncertain Significance.

Literature cited by the submitters: PubMed 17576681; PubMed 9536098.